The following is an entry in ClinVar:

ClinVar aggregate classification (germline): Uncertain significance (1 of 4 stars; one submission).

Conditions:
Dyskeratosis congenita. Identifiers: Orphanet 1775, MedGen C0265965, MONDO:0015780.

gnomAD v4.1: 3 of 1,613,282 alleles (0.00019%); highest among the groups gnomAD compares: Non-Finnish European, 0.00025%; no homozygotes.

Submission:

Ambry Genetics
Classification: Uncertain significance for Dyskeratosis congenita. Last evaluated: 2025-03-03. Review status: criteria provided, single submitter. Criteria: Ambry Variant Classification Scheme 2023. Collection method: clinical testing. Allele origin: germline.
Comment: The p.R858W variant (also known as c.2572C>T), located in coding exon 9 of the TERT gene, results from a C to T substitution at nucleotide position 2572. The arginine at codon 858 is replaced by tryptophan, an amino acid with dissimilar properties. This amino acid position is poorly conserved in available vertebrate species. In addition, the in silico prediction for this alteration is inconclusive. Based on the available evidence, the clinical significance of this variant remains unclear.

NM_198253.3(TERT):c.2572C>T (p.Arg858Trp)

Gene: TERT (telomerase reverse transcriptase; minus strand). Cytogenetic location: 5p15.33.
Variant type: single nucleotide variant.
Coding change: c.2572C>T on transcript NM_198253.3 (MANE Select); coding-DNA position 2572, C replaced by T.
Protein change: p.Arg858Trp; replaces arginine 858 with tryptophan.
Molecular consequence: missense variant. On other transcripts: non-coding transcript variant (2).
Genome position (GRCh38, 1-based): chr5:1,268,530, G>A on the plus strand (C>T on the coding strand, the complement: TERT is on the minus strand). VCF-style: chr5-1268530-G-A. GRCh37 (hg19) VCF-style: chr5-1268645-G-A.
Other names: c.2572C>T, p.Arg858Trp (NM_001193376.3); short protein forms R858W.
Identifiers: ClinVar variation 3805749 (VCV003805749.1).